The following is an entry in ClinVar:

NM_030962.4(SBF2):c.4443+1G>A

Genes: SBF2 (SET binding factor 2; minus strand), SBF2-AS1 (SBF2 antisense RNA 1; plus strand). Cytogenetic location: 11p15.4.
Variant type: single nucleotide variant.
Coding change: c.4443+1G>A on transcript NM_030962.4 (MANE Select); the canonical splice donor site of the intron after coding-DNA position 4443, G replaced by A.
Molecular consequence: splice donor variant. On other transcripts: non-coding transcript variant (1).
Genome position (GRCh38, 1-based): chr11:9,807,999, C>T on the plus strand (G>A on the coding strand, the complement: SBF2 is on the minus strand). VCF-style: chr11-9807999-C-T. GRCh37 (hg19) VCF-style: chr11-9829546-C-T.
Other names: c.4314+1G>A (NM_001386342.1); c.4539+1G>A (NM_001386339.1).
Identifiers: ClinVar variation 566898 (VCV000566898.9), dbSNP rs1564872328, ClinGen allele CA379639131.

ClinVar aggregate classification (germline): Pathogenic (1 of 4 stars; one submission).

Conditions:
Charcot-Marie-Tooth disease type 4. Also called: Charcot-Marie-Tooth, Type 4; Charcot-Marie-Tooth disease, type IV. Identifiers: Orphanet 64749, MedGen C4082197, MONDO:0018995.

Submission:

Labcorp Genetics (formerly Invitae), Labcorp
Classification: Pathogenic for Charcot-Marie-Tooth disease type 4. Last evaluated: 2018-05-30. Review status: criteria provided, single submitter. Criteria: Invitae Variant Classification Sherloc (09022015). Collection method: clinical testing. Allele origin: germline.
Comment: This variant is not present in population databases (ExAC no frequency). This sequence change affects a donor splice site in intron 32 of the SBF2 gene. It is expected to disrupt RNA splicing and likely results in an absent or disrupted protein product. This variant has not been reported in the literature in individuals with SBF2-related disease. For these reasons, this variant has been classified as Pathogenic. Donor and acceptor splice site variants typically lead to a loss of protein function (PMID: 16199547), and loss-of-function variants in SBF2 are known to be pathogenic (PMID: 12687498, 25873783). A different variant affecting this nucleotide (c.4443+1G>C) has been determined to be pathogenic (PMID: 15477569). This suggests that this nucleotide is important for normal RNA splicing, and that other variants at this position may also be pathogenic. Algorithms developed to predict the effect of sequence changes on RNA splicing suggest that this variant may disrupt the consensus splice site, but this prediction has not been confirmed by published transcriptional studies.

Literature cited by the submitters: PubMed 16199547; PubMed 12687498; PubMed 25873783; PubMed 15477569.